The following is an entry in ClinVar:

NM_004104.5(FASN):c.6611C>T (p.Thr2204Met)

Gene: FASN (fatty acid synthase; minus strand). Cytogenetic location: 17q25.3.
Variant type: single nucleotide variant.
Coding change: c.6611C>T on transcript NM_004104.5 (MANE Select); coding-DNA position 6611, C replaced by T.
Protein change: p.Thr2204Met; replaces threonine 2204 with methionine.
Molecular consequence: missense variant.
Genome position (GRCh38, 1-based): chr17:82,080,907, G>A on the plus strand (C>T on the coding strand, the complement: FASN is on the minus strand). VCF-style: chr17-82080907-G-A. GRCh37 (hg19) VCF-style: chr17-80038783-G-A.
Other names: short protein forms T2204M.
Identifiers: ClinVar variation 1054805 (VCV001054805.9), dbSNP rs146291121, ClinGen allele CA8851235.

ClinVar aggregate classification (germline): Uncertain significance (1 of 4 stars; one submission).

Conditions:
Epileptic encephalopathy. Identifiers: MedGen C0543888, HP:0200134.

Allele frequency attached by ClinVar (database versions not stated): gnomAD exomes 0.00003 and 0.00004; TOPMed 0.00003; ExAC 0.00004; ESP Exome Variant Server 0.00008; gnomAD 0.00001.
gnomAD v4.1: 56 of 1,609,000 alleles (0.0035%); highest among the groups gnomAD compares: Non-Finnish European, 0.0042%; 1 homozygote.

Submission:

Labcorp Genetics (formerly Invitae), Labcorp
Classification: Uncertain significance for Epileptic encephalopathy. Last evaluated: 2025-10-17. Review status: criteria provided, single submitter. Criteria: Invitae Variant Classification Sherloc (09022015). Collection method: clinical testing. Allele origin: germline.
Comment: This sequence change replaces threonine, which is neutral and polar, with methionine, which is neutral and non-polar, at codon 2204 of the FASN protein (p.Thr2204Met). This variant is present in population databases (rs146291121, gnomAD 0.007%). This variant has not been reported in the literature in individuals affected with FASN-related conditions. ClinVar contains an entry for this variant (Variation ID: 1054805). An algorithm developed to predict the effect of missense changes on protein structure and function outputs the following: PolyPhen-2: "Benign". The methionine amino acid residue is found in multiple mammalian species, which suggests that this missense change does not adversely affect protein function. In summary, the available evidence is currently insufficient to determine the role of this variant in disease. Therefore, it has been classified as a Variant of Uncertain Significance.